The following is an entry in ClinVar:

NM_022893.4(BCL11A):c.1921_1923del (p.Glu641del)

Gene: BCL11A (BCL11 transcription factor A; minus strand). Cytogenetic location: 2p16.1.
Variant type: Deletion.
Coding change: c.1921_1923del on transcript NM_022893.4 (MANE Select); coding-DNA positions 1921 to 1923, 3 bases deleted (GAG; older notation c.1921_1923delGAG).
Protein change: p.Glu641del; deletes glutamic acid 641.
Molecular consequence: intron variant (on NM_138559.2).
Genome position (GRCh38, 1-based): chr2:60,460,989-60,460,991, CTC deleted on the plus strand (GAG on the coding strand, the reverse complement: BCL11A is on the minus strand); deleting any 3 consecutive bases within chr2:60,460,989-60,460,993 gives the same sequence; the c. name uses the placement nearest the transcript's 3' end. VCF-style (leftmost placement, unchanged base first): chr2-60460988-ACTC-A. GRCh37 (hg19) VCF-style: chr2-60688123-ACTC-A.
Other names: c.1819_1821del, p.Glu607del (NM_001363864.1, NM_001365609.1, NM_001405711.1 and 2 more transcripts); c.1921_1923del, p.Glu641del (NM_001405708.1, NM_001405709.1, NM_001405710.1 and 1 more transcripts); c.1765_1767del, p.Glu589del (NM_001405713.1, NM_001405714.1, NM_001405715.1 and 3 more transcripts); c.1663_1665del, p.Glu555del (NM_001405717.1, NM_001405718.1, NM_001405724.1); c.1588_1590del, p.Glu530del (NM_001405720.1, NM_001405721.1); c.1465_1467del, p.Glu489del (NM_001405725.1, NM_001405726.1, NM_001405727.1 and 1 more transcripts); c.1228_1230del, p.Glu410del (NM_001405729.1); c.1384_1386del, p.Glu462del (NM_001405730.1); and 5 more; short protein forms E310del, E410del, E462del, E489del, E530del, E555del, E589del, E607del.
Identifiers: ClinVar variation 3364803 (VCV003364803.1).

ClinVar aggregate classification (germline): Uncertain significance (1 of 4 stars; one submission).

Submission:

GeneDx
Classification: Uncertain significance. Last evaluated: 2023-11-25. Review status: criteria provided, single submitter. Criteria: GeneDx Variant Classification Process June 2021. Collection method: clinical testing. Allele origin: germline. Affected: yes.
Comment: Not observed at significant frequency in large population cohorts (gnomAD); In-frame deletion of 1 amino acid in a non-repeat region; In silico analysis supports a deleterious effect on protein structure/function; Has not been previously published as pathogenic or benign to our knowledge